The following is an entry in ClinVar:

ClinVar aggregate classification (germline): Pathogenic/Likely pathogenic. Review status: criteria provided, multiple submitters, no conflicts (2 of 4 stars). 6 submissions from 6 submitters: Pathogenic (1); Likely pathogenic (4). 1 of the submissions does not count toward it. Last evaluated 2023-12-06.

Conditions:
Dihydropyrimidine dehydrogenase deficiency (DPYDD). Also called: DPD DEFICIENCY; DPYD DEFICIENCY; Hereditary Thymine-Uraciluria. Identifiers: Orphanet 1675, MedGen C1959620, MONDO:0010130, OMIM 274270.
DPYD-related disorder. Also called: DPYD-related condition.

Allele frequency attached by ClinVar (database versions not stated): gnomAD 0.00003 and 0.00004; gnomAD exomes 0.00001; TOPMed 0.00002.
gnomAD v4.1: 12 of 1,612,732 alleles (0.00074%); highest among the groups gnomAD compares: African/African-American, 0.004%; no homozygotes.

Submissions (6):

GeneDx
Classification: Likely pathogenic. Last evaluated: 2023-12-06. Review status: criteria provided, single submitter. Criteria: GeneDx Variant Classification Process June 2021. Collection method: clinical testing. Allele origin: germline. Affected: yes.
Comment: Observed in an individual with a second DPYD variant with 5-fluorouracil toxicity, and functional analysis may suggest impaired DPD enzyme activity (PMID: 26804652); Not observed at significant frequency in large population cohorts (gnomAD); Nonsense variant predicted to result in protein truncation or nonsense mediated decay in a gene for which loss of function is a known mechanism of disease; This variant is associated with the following publications: (PMID: 34426522, 31589614, 26804652, 28128059)

Baylor Genetics
Classification: Pathogenic for Dihydropyrimidine dehydrogenase deficiency. Last evaluated: 2023-05-11. Review status: criteria provided, single submitter. Criteria: ACMG Guidelines, 2015. Collection method: clinical testing. Allele origin: unknown.

Genome-Nilou Lab
Classification: Likely pathogenic for Dihydropyrimidine dehydrogenase deficiency. Last evaluated: 2023-04-11. Review status: criteria provided, single submitter. Criteria: ACMG Guidelines, 2015. Collection method: clinical testing. Allele origin: germline. Affected: no.

PreventionGenetics, part of Exact Sciences
Classification: Likely pathogenic for DPYD-related condition. Last evaluated: 2023-01-05. Review status: criteria provided, single submitter. Criteria: ACMG Guidelines, 2015. Collection method: clinical testing. Allele origin: germline.
Comment: The DPYD c.1681C>T variant is predicted to result in premature protein termination (p.Arg561*). This variant was reported along with another variant in DPYD, in an individual with colon cancer experiencing severe grade IV toxicity (van Kuilenburg et al. 2016. PubMed ID: 26804652). This variant is reported in 0.0023% of alleles in individuals of European (Non-Finnish) descent in gnomAD. Nonsense variants in DPYD are expected to be pathogenic. This variant is interpreted as likely pathogenic.

Fulgent Genetics
Classification: Likely pathogenic for Dihydropyrimidine dehydrogenase deficiency. Last evaluated: 2022-03-23. Review status: criteria provided, single submitter. Criteria: ACMG Guidelines, 2015. Collection method: clinical testing. Allele origin: unknown.

Counsyl
Classification: Likely pathogenic for Dihydropyrimidine dehydrogenase deficiency. Last evaluated: 2016-06-14. Review status: no assertion criteria provided. Collection method: clinical testing. Allele origin: unknown. Not counted in ClinVar's aggregate classification.

Literature cited by the submitters: PubMed 26804652 (cited by Counsyl).

NM_000110.4(DPYD):c.1681C>T (p.Arg561Ter)

Gene: DPYD (dihydropyrimidine dehydrogenase; minus strand). Cytogenetic location: 1p21.3.
Variant type: single nucleotide variant.
Coding change: c.1681C>T on transcript NM_000110.4 (MANE Select); coding-DNA position 1681, C replaced by T.
Protein change: p.Arg561Ter; replaces arginine 561 with a stop codon.
Molecular consequence: nonsense.
Genome position (GRCh38, 1-based): chr1:97,515,785, G>A on the plus strand (C>T on the coding strand, the complement: DPYD is on the minus strand). VCF-style: chr1-97515785-G-A. GRCh37 (hg19) VCF-style: chr1-97981341-G-A.
Other names: short protein forms R561*.
Identifiers: ClinVar variation 371053 (VCV000371053.8), dbSNP rs1057516968, ClinGen allele CA16040802.